The following is an entry in ClinVar:

NM_182948.4(PRKACB):c.-1A>C

Gene: PRKACB (protein kinase cAMP-activated catalytic subunit beta; plus strand). Cytogenetic location: 1p31.1.
Variant type: single nucleotide variant.
Coding change: c.-1A>C on transcript NM_182948.4 (MANE Select); 1 bases upstream of the start codon, A replaced by C.
Molecular consequence: 5 prime UTR variant. On other transcripts: intron variant (3).
Genome position (GRCh38, 1-based): chr1:84,144,361, A>C. VCF-style: chr1-84144361-A-C. GRCh37 (hg19) VCF-style: chr1-84610044-A-C.
Other names: c.-1A>C (NM_001300916.2); c.47-34816A>C (NM_002731.4, NM_001375576.1, NM_207578.3).
Identifiers: ClinVar variation 2505002 (VCV002505002.1), dbSNP rs2524444108, ClinGen allele CA2580611460.

ClinVar aggregate classification (germline): Uncertain significance (1 of 4 stars; one submission).

Submission:

GeneDx
Classification: Uncertain significance. Last evaluated: 2022-12-03. Review status: criteria provided, single submitter. Criteria: GeneDx Variant Classification Process June 2021. Collection method: clinical testing. Allele origin: germline. Affected: yes.
Comment: Not observed at significant frequency in large population cohorts (gnomAD); Located in a region that tolerates variation and lacks pathogenic variants; Has not been previously published as pathogenic or benign to our knowledge